The following is an entry in ClinVar:

NM_002024.6(FMR1):c.1829A>G (p.Asp610Gly)

Gene: FMR1 (fragile X messenger ribonucleoprotein 1; plus strand). Cytogenetic location: Xq27.3.
Variant type: single nucleotide variant.
Coding change: c.1829A>G on transcript NM_002024.6 (MANE Select); coding-DNA position 1829, A replaced by G.
Protein change: p.Asp610Gly; replaces aspartic acid 610 with glycine.
Molecular consequence: missense variant. On other transcripts: non-coding transcript variant (2).
Genome position (GRCh38, 1-based): chrX:147,948,774, A>G. VCF-style: chrX-147948774-A-G. GRCh37 (hg19) VCF-style: chrX-147030294-A-G.
Other names: c.1558A>G, p.Ile520Val (NM_001185075.2); c.1766A>G, p.Asp589Gly (NM_001185076.2); c.1495A>G, p.Ile499Val (NM_001185081.2); c.1691A>G, p.Asp564Gly (NM_001185082.2); short protein forms D564G, D589G, D610G, I499V, I520V.
Identifiers: ClinVar variation 3366061 (VCV003366061.2).

ClinVar aggregate classification (germline): Uncertain significance (1 of 4 stars; one submission).

Submission:

GeneDx
Classification: Uncertain significance. Last evaluated: 2025-08-28. Review status: criteria provided, single submitter. Criteria: GeneDx Variant Classification Process June 2021. Collection method: clinical testing. Allele origin: germline.
Comment: Not observed at significant frequency in large population cohorts (gnomAD); In silico analysis suggests that this missense variant does not alter protein structure/function; Has not been previously published as pathogenic or benign to our knowledge